The following is an entry in ClinVar:

NM_003183.6(ADAM17):c.1951C>T (p.Arg651Ter)

Genes: ADAM17 (ADAM metallopeptidase domain 17; minus strand), IAH1 (isoamyl acetate hydrolyzing esterase 1 (putative); plus strand). Cytogenetic location: 2p25.1.
Variant type: single nucleotide variant.
Coding change: c.1951C>T on transcript NM_003183.6 (MANE Select); coding-DNA position 1951, C replaced by T.
Protein change: p.Arg651Ter; replaces arginine 651 with a stop codon.
Molecular consequence: nonsense.
Genome position (GRCh38, 1-based): chr2:9,493,789, G>A on the plus strand (C>T on the coding strand, the complement: ADAM17 is on the minus strand). VCF-style: chr2-9493789-G-A. GRCh37 (hg19) VCF-style: chr2-9633918-G-A.
Other names: c.1291C>T, p.Arg431Ter (NM_001382777.1); c.1054C>T, p.Arg352Ter (NM_001382778.1); short protein forms R651*, R352*, R431*.
Identifiers: ClinVar variation 1908951 (VCV001908951.6), dbSNP rs2531099938, ClinGen allele CA345796460.

ClinVar aggregate classification (germline): Pathogenic/Likely pathogenic. Review status: criteria provided, multiple submitters, no conflicts (2 of 4 stars). 2 submissions from 2 submitters: Pathogenic (1); Likely pathogenic (1). Last evaluated 2023-01-31.

Conditions:
Neonatal inflammatory skin and bowel disease. Identifiers: Orphanet 294023, MedGen C4751120, MONDO:0017411.
Inflammatory skin and bowel disease, neonatal, 1. Identifiers: Orphanet 294023, MedGen C3280501, MONDO:0013693, OMIM 614328.

Allele frequency attached by ClinVar (database versions not stated): gnomAD exomes below 0.00001.
gnomAD v4.1: 3 of 1,613,888 alleles (0.00019%); highest among the groups gnomAD compares: Non-Finnish European, 0.00025%; no homozygotes.

Submissions (2):

Department of Pathology and Laboratory Medicine, Sinai Health System
Classification: Likely pathogenic for Neonatal inflammatory skin and bowel disease. Last evaluated: 2023-01-31. Review status: criteria provided, single submitter. Criteria: ACMG Guidelines, 2015. Collection method: research. Allele origin: germline.

Labcorp Genetics (formerly Invitae), Labcorp
Classification: Pathogenic for Inflammatory skin and bowel disease, neonatal, 1. Last evaluated: 2022-10-01. Review status: criteria provided, single submitter. Criteria: Invitae Variant Classification Sherloc (09022015). Collection method: clinical testing. Allele origin: germline.
Comment: This sequence change creates a premature translational stop signal (p.Arg651*) in the ADAM17 gene. It is expected to result in an absent or disrupted protein product. Loss-of-function variants in ADAM17 are known to be pathogenic (PMID: 22010916, 25804906). This variant is not present in population databases (gnomAD no frequency). This variant has not been reported in the literature in individuals affected with ADAM17-related conditions. For these reasons, this variant has been classified as Pathogenic.

Literature cited by the submitters: PubMed 22010916 (cited by Labcorp Genetics (formerly Invitae), Labcorp); PubMed 25804906 (cited by Labcorp Genetics (formerly Invitae), Labcorp).